The following is an entry in ClinVar:

NM_001014987.2(LAT):c.119C>T (p.Ser40Phe)

Gene: LAT (linker for activation of T cells; plus strand). Cytogenetic location: 16p11.2.
Variant type: single nucleotide variant.
Coding change: c.119C>T on transcript NM_001014987.2 (MANE Select); coding-DNA position 119, C replaced by T.
Protein change: p.Ser40Phe; replaces serine 40 with phenylalanine.
Molecular consequence: missense variant.
Genome position (GRCh38, 1-based): chr16:28,985,731, C>T. VCF-style: chr16-28985731-C-T. GRCh37 (hg19) VCF-style: chr16-28997052-C-T.
Other names: c.119C>T, p.Ser40Phe (NM_001014988.2, NM_014387.4); c.227C>T, p.Ser76Phe (NM_001014989.2); short protein forms S76F, S40F.
Identifiers: ClinVar variation 2090473 (VCV002090473.4), dbSNP rs781119598, ClinGen allele CA7989833.

ClinVar aggregate classification (germline): Uncertain significance (1 of 4 stars; one submission).

Allele frequency attached by ClinVar (database versions not stated): ExAC 0.00001; gnomAD exomes 0.00001.
gnomAD v4.1: 9 of 1,614,082 alleles (0.00056%); highest among the groups gnomAD compares: South Asian, 0.0077%; no homozygotes.

Submission:

Labcorp Genetics (formerly Invitae), Labcorp
Classification: Uncertain significance. Last evaluated: 2022-01-27. Review status: criteria provided, single submitter. Criteria: Invitae Variant Classification Sherloc (09022015). Collection method: clinical testing. Allele origin: germline.
Comment: This sequence change replaces serine, which is neutral and polar, with phenylalanine, which is neutral and non-polar, at codon 40 of the LAT protein (p.Ser40Phe). This variant is present in population databases (rs781119598, gnomAD 0.003%). This variant has not been reported in the literature in individuals affected with LAT-related conditions. Algorithms developed to predict the effect of missense changes on protein structure and function are either unavailable or do not agree on the potential impact of this missense change (SIFT: "Deleterious"; PolyPhen-2: "Possibly Damaging"; Align-GVGD: "Class C15"). In summary, the available evidence is currently insufficient to determine the role of this variant in disease. Therefore, it has been classified as a Variant of Uncertain Significance.